The following is an entry in ClinVar:

ClinVar aggregate classification (germline): Conflicting classifications of pathogenicity. Review status: criteria provided, conflicting classifications (1 of 4 stars). 4 submissions from 4 submitters: Uncertain significance (3); Likely benign (1). Last evaluated 2026-05-21.

Conditions:
ALPK3-related disorder. Also called: ALPK3-related condition.
Cardiovascular phenotype. Identifiers: MedGen CN230736.

Allele frequency attached by ClinVar (database versions not stated): gnomAD 0.00001; gnomAD exomes 0.00001 and 0.00002; TOPMed 0.00004.
gnomAD v4.1: 34 of 1,610,850 alleles (0.0021%); highest among the groups gnomAD compares: Non-Finnish European, 0.0028%; no homozygotes.

Submissions (4):

PreventionGenetics, part of Exact Sciences
Classification: Uncertain significance for ALPK3-related condition. Last evaluated: 2026-05-21. Review status: criteria provided, single submitter. Criteria: ACMG Guidelines, 2015. Collection method: clinical testing. Allele origin: germline.
Comment: The ALPK3 c.3692C>A variant is predicted to result in the amino acid substitution p.Thr1231Asn. To our knowledge, this variant has not been reported in the literature. This variant is reported in 0.0040% of alleles in individuals of African descent in gnomAD. At this time, the clinical significance of this variant is uncertain due to the absence of conclusive functional and genetic evidence.

Labcorp Genetics (formerly Invitae), Labcorp
Classification: Uncertain significance. Last evaluated: 2025-06-29. Review status: criteria provided, single submitter. Criteria: Invitae Variant Classification Sherloc (09022015). Collection method: clinical testing. Allele origin: germline.
Comment: This sequence change replaces threonine, which is neutral and polar, with asparagine, which is neutral and polar, at codon 1231 of the ALPK3 protein (p.Thr1231Asn). This variant is present in population databases (no rsID available, gnomAD 0.004%). This variant has not been reported in the literature in individuals affected with ALPK3-related conditions. ClinVar contains an entry for this variant (Variation ID: 1417183). Invitae Evidence Modeling of protein sequence and biophysical properties (such as structural, functional, and spatial information, amino acid conservation, physicochemical variation, residue mobility, and thermodynamic stability) indicates that this missense variant is not expected to disrupt ALPK3 protein function with a negative predictive value of 80%. In summary, the available evidence is currently insufficient to determine the role of this variant in disease. Therefore, it has been classified as a Variant of Uncertain Significance.

Ambry Genetics
Classification: Likely benign for Cardiovascular phenotype. Last evaluated: 2024-05-17. Review status: criteria provided, single submitter. Criteria: Ambry Variant Classification Scheme 2023. Collection method: clinical testing. Allele origin: germline.

GeneDx
Classification: Uncertain significance. Last evaluated: 2022-10-06. Review status: criteria provided, single submitter. Criteria: GeneDx Variant Classification Process June 2021. Collection method: clinical testing. Allele origin: germline. Affected: yes.
Comment: Has not been previously published as pathogenic or benign to our knowledge; Not observed at significant frequency in large population cohorts (gnomAD); In silico analysis supports that this missense variant does not alter protein structure/function

NM_020778.5(ALPK3):c.3086C>A (p.Thr1029Asn)

Gene: ALPK3 (alpha kinase 3; plus strand). Cytogenetic location: 15q25.3.
Variant type: single nucleotide variant.
Coding change: c.3086C>A on transcript NM_020778.5 (MANE Select); coding-DNA position 3086, C replaced by A.
Protein change: p.Thr1029Asn; replaces threonine 1029 with asparagine.
Molecular consequence: missense variant.
Genome position (GRCh38, 1-based): chr15:84,857,824, C>A. VCF-style: chr15-84857824-C-A. GRCh37 (hg19) VCF-style: chr15-85401055-C-A.
Other names: c.3692C>A (NM_020778.4); short protein forms T1029N.
Identifiers: ClinVar variation 1417183 (VCV001417183.13), dbSNP rs1051437969, ClinGen allele CA273625089.